The following is an entry in ClinVar:

NM_000138.5(FBN1):c.863-2A>G

Gene: FBN1 (fibrillin 1; minus strand). Cytogenetic location: 15q21.1.
Variant type: single nucleotide variant.
Coding change: c.863-2A>G on transcript NM_000138.5 (MANE Select); the canonical splice acceptor site of the intron before coding-DNA position 863, A replaced by G.
Molecular consequence: splice acceptor variant.
Genome position (GRCh38, 1-based): chr15:48,526,257, T>C on the plus strand (A>G on the coding strand, the complement: FBN1 is on the minus strand). VCF-style: chr15-48526257-T-C. GRCh37 (hg19) VCF-style: chr15-48818454-T-C.
Other names: c.863-2A>G (NM_001406716.1).
Identifiers: ClinVar variation 2506141 (VCV002506141.4), dbSNP rs2505641147, ClinGen allele CA392350637.
Genomic context (GRCh38, chr15:48,526,257, plus strand): 5'-TGTGTTTGTACATTCACCCCCTTCACAGATTCCAGGAATGGTGCTGCATTCATCAATATC[T>C]GGAATATAAAAAAAAGAATCTCAGCATTTGTAGAACACAATATAAAACCATTCGTCAGTA-3'

ClinVar aggregate classification (germline): Likely pathogenic. Review status: criteria provided, multiple submitters, no conflicts (2 of 4 stars). 2 submissions from 2 submitters: Likely pathogenic (2). Last evaluated 2023-05-18.

Conditions:
Marfan Syndrome/Loeys-Dietz Syndrome/Familial Thoracic Aortic Aneurysms and Dissections. Identifiers: MedGen CN229799.
Marfan syndrome (MFS). Also called: MARFAN SYNDROME, TYPE I; FBN1-Related Marfan Syndrome; Marfan syndrome type 1; Marfan's syndrome; Marfan syndrome, classic. Identifiers: Orphanet 284963, Orphanet 558, MedGen C0024796, MONDO:0007947, OMIM 154700.
Familial thoracic aortic aneurysm and aortic dissection (TAAD). Also called: Thoracic aortic aneurysms and dissections. Identifiers: Orphanet 91387, MedGen C4707243, MONDO:0019625.

Allele frequency attached by ClinVar (database versions not stated): gnomAD exomes below 0.00001.
gnomAD v4.1: 1 of 1,613,870 alleles (0.000062%); highest among the groups gnomAD compares: Non-Finnish European, 0.000085%; no homozygotes.

Submissions (2):

Women's Health and Genetics/Laboratory Corporation of America, LabCorp
Classification: Likely pathogenic for Marfan Syndrome/Loeys-Dietz Syndrome/Familial Thoracic Aortic Aneurysms and Dissections. Last evaluated: 2023-05-18. Review status: criteria provided, single submitter. Criteria: LabCorp Variant Classification Summary - May 2015. Collection method: clinical testing. Allele origin: germline.
Comment: Variant summary: FBN1 c.863-2A>G is located in a canonical splice-site and is predicted to affect mRNA splicing resulting in a significantly altered protein due to either exon skipping, shortening, or inclusion of intronic material. Several computational tools predict a significant impact on normal splicing: Four predict the variant abolishes a canonical 3' acceptor site. However, these predictions have yet to be confirmed by functional studies. The variant was absent in 251184 control chromosomes. To our knowledge, no occurrence of c.863-2A>G in individuals affected with Marfan Syndrome and no experimental evidence demonstrating its impact on protein function have been reported. No clinical diagnostic laboratories have submitted clinical-significance assessments for this variant to ClinVar after 2014. Based on the evidence outlined above, the variant was classified as likely pathogenic.

Labcorp Genetics (formerly Invitae), Labcorp
Classification: Likely pathogenic for Marfan syndrome; Familial thoracic aortic aneurysm and aortic dissection. Last evaluated: 2023-02-21. Review status: criteria provided, single submitter. Criteria: Invitae Variant Classification Sherloc (09022015). Collection method: clinical testing. Allele origin: germline.
Comment: Algorithms developed to predict the effect of sequence changes on RNA splicing suggest that this variant may disrupt the consensus splice site. In summary, the currently available evidence indicates that the variant is pathogenic, but additional data are needed to prove that conclusively. Therefore, this variant has been classified as Likely Pathogenic. This sequence change affects an acceptor splice site in intron 8 of the FBN1 gene. It is expected to disrupt RNA splicing. Variants that disrupt the donor or acceptor splice site typically lead to a loss of protein function (PMID: 16199547), and loss-of-function variants in FBN1 are known to be pathogenic (PMID: 17657824, 19293843). This variant is not present in population databases (gnomAD no frequency). This variant has not been reported in the literature in individuals affected with FBN1-related conditions.

Literature cited by the submitters: PubMed 16199547 (cited by Labcorp Genetics (formerly Invitae), Labcorp); PubMed 17657824 (cited by Labcorp Genetics (formerly Invitae), Labcorp); PubMed 19293843 (cited by Labcorp Genetics (formerly Invitae), Labcorp).